The following is an entry in ClinVar:

ClinVar aggregate classification (germline): Uncertain significance. Review status: criteria provided, multiple submitters, no conflicts (2 of 4 stars). 4 submissions from 4 submitters: Uncertain significance (4). Last evaluated 2025-02-24.

Conditions:
Inborn genetic diseases. Identifiers: MedGen C0950123, MeSH D030342.

Allele frequency attached by ClinVar (database versions not stated): gnomAD exomes 0.00005; ESP Exome Variant Server 0.00008; TOPMed 0.00008; ExAC 0.00016; gnomAD 0.00017.
gnomAD v4.1: 100 of 1,534,628 alleles (0.0065%); highest among the groups gnomAD compares: East Asian, 0.04%; no homozygotes.

Submissions (4):

Ambry Genetics
Classification: Uncertain significance for Inborn genetic diseases. Last evaluated: 2025-02-24. Review status: criteria provided, single submitter. Criteria: Ambry Variant Classification Scheme 2023. Collection method: clinical testing. Allele origin: germline.

GeneDx
Classification: Uncertain significance. Last evaluated: 2024-07-30. Review status: criteria provided, single submitter. Criteria: GeneDx Variant Classification Process June 2021. Collection method: clinical testing. Allele origin: germline. Affected: yes.
Comment: In silico analysis supports that this missense variant has a deleterious effect on protein structure/function; In silico analysis supports a deleterious effect on splicing; Has not been previously published as pathogenic or benign to our knowledge

Labcorp Genetics (formerly Invitae), Labcorp
Classification: Uncertain significance. Last evaluated: 2023-05-08. Review status: criteria provided, single submitter. Criteria: Invitae Variant Classification Sherloc (09022015). Collection method: clinical testing. Allele origin: germline.
Comment: In summary, the available evidence is currently insufficient to determine the role of this variant in disease. Therefore, it has been classified as a Variant of Uncertain Significance. Algorithms developed to predict the effect of sequence changes on RNA splicing suggest that this variant may create or strengthen a splice site. Advanced modeling of protein sequence and biophysical properties (such as structural, functional, and spatial information, amino acid conservation, physicochemical variation, residue mobility, and thermodynamic stability) has been performed at Invitae for this missense variant, however the output from this modeling did not meet the statistical confidence thresholds required to predict the impact of this variant on LAMA5 protein function. ClinVar contains an entry for this variant (Variation ID: 2419499). This variant has not been reported in the literature in individuals affected with LAMA5-related conditions. This variant is present in population databases (rs147692310, gnomAD 0.08%). This sequence change replaces alanine, which is neutral and non-polar, with valine, which is neutral and non-polar, at codon 2546 of the LAMA5 protein (p.Ala2546Val).

CeGaT Center for Human Genetics Tuebingen
Classification: Uncertain significance. Last evaluated: 2023-04-01. Review status: criteria provided, single submitter. Criteria: CeGaT Center For Human Genetics Tuebingen Variant Classification Criteria Version 2. Collection method: clinical testing. Allele origin: germline. Affected: yes. Observed: 1 variant allele.
Comment: LAMA5: PM2, PP3

NM_005560.6(LAMA5):c.7637C>T (p.Ala2546Val)

Gene: LAMA5 (laminin subunit alpha 5; minus strand). Cytogenetic location: 20q13.33.
Variant type: single nucleotide variant.
Coding change: c.7637C>T on transcript NM_005560.6 (MANE Select); coding-DNA position 7637, C replaced by T.
Protein change: p.Ala2546Val; replaces alanine 2546 with valine.
Molecular consequence: missense variant.
Genome position (GRCh38, 1-based): chr20:62,316,898, G>A on the plus strand (C>T on the coding strand, the complement: LAMA5 is on the minus strand). VCF-style: chr20-62316898-G-A. GRCh37 (hg19) VCF-style: chr20-60891954-G-A.
Other names: c.7637C>T (NM_005560.3); short protein forms A2546V.
Identifiers: ClinVar variation 2419499 (VCV002419499.32), dbSNP rs147692310, ClinGen allele CA9941139.